The following is an entry in ClinVar:

ClinVar aggregate classification (germline): Likely pathogenic (1 of 4 stars; one submission).

Conditions:
Maturity-onset diabetes of the young type 10. Identifiers: Orphanet 552, MedGen C3150617, MONDO:0013240, OMIM 613370.

Submission:

MVZ Medizinische Genetik Mainz
Classification: Likely pathogenic for Maturity-onset diabetes of the young type 10. Last evaluated: 2025-10-07. Review status: criteria provided, single submitter. Criteria: UK Practice Guidelines For Variant Classification V4 01 2020. Collection method: clinical testing. Allele origin: germline. Inheritance: Autosomal dominant inheritance. Observed: 1 variant allele.
Comment: ACMG Criteria: PVS1,PM2_SUP

NM_000207.3(INS):c.99_103del (p.His34fs)

Genes: INS (insulin; minus strand), INS-IGF2 (INS-IGF2 readthrough; minus strand). Cytogenetic location: 11p15.5.
Variant type: Deletion.
Coding change: c.99_103del on transcript NM_000207.3 (MANE Select); coding-DNA positions 99 to 103, 5 bases deleted (ACACC; older notation c.99_103delACACC).
Protein change: p.His34fs; shifts the reading frame from histidine 34.
Molecular consequence: frameshift variant. On other transcripts: non-coding transcript variant (1).
Genome position (GRCh38, 1-based): chr11:2,160,869-2,160,873, GGTGT deleted on the plus strand (ACACC on the coding strand, the reverse complement: INS is on the minus strand); deleting any 5 consecutive bases within chr11:2,160,869-2,160,874 gives the same sequence; the c. name uses the placement nearest the transcript's 3' end. VCF-style (leftmost placement, unchanged base first): chr11-2160868-AGGTGT-A. GRCh37 (hg19) VCF-style: chr11-2182098-AGGTGT-A.
Other names: c.99_103del, p.His34fs (NM_001185097.2, NM_001185098.2, NM_001291897.2 and 1 more transcripts); short protein forms H34fs.
Identifiers: ClinVar variation 5038123 (VCV005038123.1).
Genomic context (GRCh38, chr11:2,160,868, plus strand): 5'-CGGGTCTTGGGTGTGTAGAAGAAGCCTCGTTCCCCGCACACTAGGTAGAGAGCTTCCACC[AGGTGT>A]GAGCCGCACAGGTGTTGGTTCACAAAGGCTGCGGCTGGGTCAGGTCCCCAGAGGGCCAGC-3'